The following is an entry in ClinVar:

NM_006766.5(KAT6A):c.3754G>C (p.Ala1252Pro)

Gene: KAT6A (lysine acetyltransferase 6A; minus strand). Cytogenetic location: 8p11.21.
Variant type: single nucleotide variant.
Coding change: c.3754G>C on transcript NM_006766.5 (MANE Select); coding-DNA position 3754, G replaced by C.
Protein change: p.Ala1252Pro; replaces alanine 1252 with proline.
Molecular consequence: missense variant.
Genome position (GRCh38, 1-based): chr8:41,934,466, C>G on the plus strand (G>C on the coding strand, the complement: KAT6A is on the minus strand). VCF-style: chr8-41934466-C-G. GRCh37 (hg19) VCF-style: chr8-41791984-C-G.
Other names: short protein forms A1252P.
Identifiers: ClinVar variation 1983524 (VCV001983524.4), dbSNP rs753748630, ClinGen allele CA175939931.
Genomic context (GRCh38, chr8:41,934,466, plus strand): 5'-CCTCCACCTCAGGCTCCTTGGTTTCGGTCTCAGGACTATTGCTGCTGTCTGCTGGAGAGG[C>G]TGCTGGGACTTCACTGCTGGCTGCATCCTCTTCCTCACCCTCTTCAGCCTCTTCTGCCTC-3'
Protein context (NP_006757.2, residues 1242-1262): EDAASSEVPA[Ala1252Pro]SPADSSNSPE

ClinVar aggregate classification (germline): Uncertain significance (1 of 4 stars; one submission).

Allele frequency attached by ClinVar (database versions not stated): TOPMed below 0.00001.
gnomAD v4.1: 10 of 1,608,048 alleles (0.00062%); highest among the groups gnomAD compares: Admixed American, 0.0034%; no homozygotes.

Submission:

Labcorp Genetics (formerly Invitae), Labcorp
Classification: Uncertain significance. Last evaluated: 2025-11-24. Review status: criteria provided, single submitter. Criteria: Invitae Variant Classification Sherloc (09022015). Collection method: clinical testing. Allele origin: germline.
Comment: This sequence change replaces alanine, which is neutral and non-polar, with proline, which is neutral and non-polar, at codon 1252 of the KAT6A protein (p.Ala1252Pro). This variant is not present in population databases (gnomAD no frequency). This variant has not been reported in the literature in individuals affected with KAT6A-related conditions. ClinVar contains an entry for this variant (Variation ID: 1983524). Invitae Evidence Modeling of protein sequence and biophysical properties (such as structural, functional, and spatial information, amino acid conservation, physicochemical variation, residue mobility, and thermodynamic stability) indicates that this missense variant is not expected to disrupt KAT6A protein function with a negative predictive value of 95%. In summary, the available evidence is currently insufficient to determine the role of this variant in disease. Therefore, it has been classified as a Variant of Uncertain Significance.